The following is an entry in ClinVar:

ClinVar aggregate classification (germline): Likely benign (0 of 4 stars; one submission).

Conditions:
PLXNA2-related disorder. Also called: PLXNA2-related condition.

Allele frequency attached by ClinVar (database versions not stated): ExAC 0.00001; gnomAD 0.00001.
gnomAD v4.1: 25 of 1,613,848 alleles (0.0015%); highest among the groups gnomAD compares: Non-Finnish European, 0.002%; no homozygotes.

Submission:

PreventionGenetics, part of Exact Sciences
Classification: Likely benign for PLXNA2-related condition. Last evaluated: 2022-09-22. Review status: no assertion criteria provided. Collection method: clinical testing. Allele origin: germline.
Comment: This variant is classified as likely benign based on ACMG/AMP sequence variant interpretation guidelines (Richards et al. 2015 PMID: 25741868, with internal and published modifications).

NM_025179.4(PLXNA2):c.4932C>T (p.Asp1644=)

Gene: PLXNA2 (plexin A2; minus strand). Cytogenetic location: 1q32.2.
Variant type: single nucleotide variant.
Coding change: c.4932C>T on transcript NM_025179.4 (MANE Select); coding-DNA position 4932, C replaced by T.
Protein change: p.Asp1644=; no amino-acid change (aspartic acid 1644 retained).
Molecular consequence: synonymous variant.
Genome position (GRCh38, 1-based): chr1:208,033,442, G>A on the plus strand (C>T on the coding strand, the complement: PLXNA2 is on the minus strand). VCF-style: chr1-208033442-G-A. GRCh37 (hg19) VCF-style: chr1-208206787-G-A.
Identifiers: ClinVar variation 3047944 (VCV003047944.2), dbSNP rs761512286, ClinGen allele CA1372708.
Genomic context (GRCh38, chr1:208,033,442, plus strand): 5'-CTTCTGGTCACCGTGGTCATGGTTCTTCACCAGATGCCACACCTTGACCCCACTTTCCAG[G>A]TCTGGGGTGATCATCGGGGCCCGGGACCGCAGGCTGTCGGGGCTGCCCGTATACCTGAAG-3'
Protein context (NP_079455.3, residues 1634-1654): LRSRAPMITP[Asp1644=]LESGVKVWHL